The following is an entry in ClinVar:

NM_018941.4(CLN8):c.374A>C (p.Asn125Thr)

Gene: CLN8 (CLN8 transmembrane ER and ERGIC protein; plus strand). Cytogenetic location: 8p23.3.
Variant type: single nucleotide variant.
Coding change: c.374A>C on transcript NM_018941.4 (MANE Select); coding-DNA position 374, A replaced by C.
Protein change: p.Asn125Thr; replaces asparagine 125 with threonine.
Molecular consequence: missense variant.
Genome position (GRCh38, 1-based): chr8:1,771,428, A>C. VCF-style: chr8-1771428-A-C. GRCh37 (hg19) VCF-style: chr8-1719594-A-C.
Other names: p.N125T:AAC>ACC; short protein forms N125T.
Identifiers: ClinVar variation 205206 (VCV000205206.2), dbSNP rs142269885, ClinGen allele CA314050.
Genomic context (GRCh38, chr8:1,771,428, plus strand): 5'-TTCACATCACGACAGCAACGGGATTCTTTTGCTTTGAAAATGTTGCAGTCCACCTGTCCA[A>C]CTTGATCTTCCGGACATTTGACTTGTTTCTGGTTATCCACCATCTCTTTGCCTTTCTTGG-3'
Protein context (NP_061764.2, residues 115-135): CFENVAVHLS[Asn125Thr]LIFRTFDLFL

ClinVar aggregate classification (germline): Uncertain significance (1 of 4 stars; one submission).

Submission:

GeneDx
Classification: Uncertain significance. Last evaluated: 2014-04-17. Review status: criteria provided, single submitter. Criteria: GeneDx Variant Classification (06012015). Collection method: clinical testing. Allele origin: germline. Affected: yes.
Comment: p.Asn125Thr (AAC>ACC): c.374 A>C in exon 2 of the CLN8 gene (NM_018941.3)A variant of unknown significance has been identified in the CLN8 gene. The N125T variant has not been published as a mutation, nor has it been reported as a benign polymorphism to our knowledge. A different amino acid substitution at the same position (N125S) has been reported as possibly disease causing; however segregation analysis and functional studies have not been performed to support this conclusion (Kousi et al., 2012). N125T was not observed in approximately 6,500 individuals of European and African American ancestry in the NHLBI Exome Sequencing Project, indicating it is not a common benign variant in these populations. The N125T variant is a conservative amino acid substitution, which is not likely to impact secondary protein structure as these residues share similar properties. This substitution occurs between transmembrane domains 3 and 4 at a position that is conserved in mammals; however in silico analysis predicts this variant likely does not alter the protein structure/function. Therefore, based on the currently available information, it is unclear whether this variant is a pathogenic mutation or a rare benign variant. The finding of a single missense variant of unknown clinical significance makes the molecular diagnosis inconclusive. The variant is found in EPILEPSY panel(s).